The following is an entry in ClinVar:

NM_001267550.2(TTN):c.55852T>C (p.Cys18618Arg)

Genes: TTN (titin; minus strand), TTN-AS1 (TTN antisense RNA 1; plus strand). Cytogenetic location: 2q31.2.
Variant type: single nucleotide variant.
Coding change: c.55852T>C on transcript NM_001267550.2 (MANE Select); coding-DNA position 55852, T replaced by C.
Protein change: p.Cys18618Arg; replaces cysteine 18618 with arginine.
Molecular consequence: missense variant.
Genome position (GRCh38, 1-based): chr2:178,601,052, A>G on the plus strand (T>C on the coding strand, the complement: TTN is on the minus strand). VCF-style: chr2-178601052-A-G. GRCh37 (hg19) VCF-style: chr2-179465779-A-G.
Other names: c.50929T>C, p.Cys16977Arg (NM_001256850.1); c.28657T>C, p.Cys9553Arg (NM_003319.4); c.48148T>C, p.Cys16050Arg (NM_133378.4); c.29032T>C, p.Cys9678Arg (NM_133432.3); c.29233T>C, p.Cys9745Arg (NM_133437.4); short protein forms C18618R, C9553R, C9678R, C9745R, C16050R, C16977R.
Identifiers: ClinVar variation 518900 (VCV000518900.10), dbSNP rs369260968, ClinGen allele CA1993375.

ClinVar aggregate classification (germline): Uncertain significance. Review status: criteria provided, multiple submitters, no conflicts (2 of 4 stars). 3 submissions from 3 submitters: Uncertain significance (3). Last evaluated 2021-10-12.

Conditions:
Cardiovascular phenotype. Identifiers: MedGen CN230736.
Autosomal recessive limb-girdle muscular dystrophy type 2J (LGMDR10). Also called: MUSCULAR DYSTROPHY, LIMB-GIRDLE, AUTOSOMAL RECESSIVE 10; Limb-girdle muscular dystrophy, type 2J. Identifiers: Orphanet 140922, MedGen C1837342, MONDO:0012127, OMIM 608807.
Hypertrophic cardiomyopathy 9. Also called: Familial hypertrophic cardiomyopathy 9. Identifiers: MedGen C1861065, MONDO:0013412, OMIM 613765.
Tibial muscular dystrophy (TMD). Also called: Udd Distal Myopathy – Tibial Muscular Dystrophy; Tibial muscular dystrophy, tardive; UDD MYOPATHY. Identifiers: Orphanet 609, MedGen C1838244, MONDO:0010870, OMIM 600334.
Dilated cardiomyopathy 1G (CMD1G). Identifiers: Orphanet 154, MedGen C1858763, MONDO:0011400, OMIM 604145.
Early-onset myopathy with fatal cardiomyopathy (CMYO5). Also called: Salih Myopathy; CONGENITAL MYOPATHY 5 WITH CARDIOMYOPATHY. Identifiers: Orphanet 289377, MedGen C2673677, MONDO:0012714, OMIM 611705. Disease mechanism: loss of function.
Myopathy, myofibrillar, 9, with early respiratory failure (MFM9). Also called: MYOPATHY, PROXIMAL, WITH EARLY RESPIRATORY MUSCLE INVOLVEMENT; Myopathy, distal, with early respiratory failure, autosomal dominant; Hereditary myopathy with early respiratory failure; EDSTROM MYOPATHY. Identifiers: Orphanet 178464, Orphanet 34521, MedGen C1863599, MONDO:0011362, OMIM 603689.

Allele frequency attached by ClinVar (database versions not stated): ExAC 0.00005; gnomAD exomes 0.00005; ESP Exome Variant Server 0.00016; gnomAD 0.00019 and 0.00021; TOPMed 0.00020.
gnomAD v4.1: 52 of 1,612,704 alleles (0.0032%); highest among the groups gnomAD compares: African/African-American, 0.057%; no homozygotes.

Submissions (3):

Fulgent Genetics
Classification: Uncertain significance for Tibial muscular dystrophy; Myopathy, myofibrillar, 9, with early respiratory failure; Dilated cardiomyopathy 1G; Autosomal recessive limb-girdle muscular dystrophy type 2J; Early-onset myopathy with fatal cardiomyopathy; Hypertrophic cardiomyopathy 9. Last evaluated: 2021-10-12. Review status: criteria provided, single submitter. Criteria: ACMG Guidelines, 2015. Collection method: clinical testing. Allele origin: unknown.

Revvity Omics, Revvity
Classification: Uncertain significance. Last evaluated: 2020-03-03. Review status: criteria provided, single submitter. Criteria: ACMG Guidelines, 2015. Collection method: clinical testing. Allele origin: germline.

Ambry Genetics
Classification: Uncertain significance for Cardiovascular phenotype. Last evaluated: 2019-08-23. Review status: criteria provided, single submitter. Criteria: Ambry Variant Classification Scheme 2023. Collection method: clinical testing. Allele origin: germline.
Comment: The p.C9553R variant (also known as c.28657T>C), located in coding exon 115 of the TTN gene, results from a T to C substitution at nucleotide position 28657. The cysteine at codon 9553 is replaced by arginine, an amino acid with highly dissimilar properties. This amino acid position is not well conserved in available vertebrate species, and arginine is the reference amino acid in other vertebrate species. In addition, this alteration is predicted to be tolerated by in silico analysis. Since supporting evidence is limited at this time, the clinical significance of this alteration remains unclear.